The following is an entry in ClinVar:

ClinVar aggregate classification (germline): Benign (1 of 4 stars; one submission).

Allele frequency attached by ClinVar (database versions not stated): gnomAD 0.29109 and 0.30028; TOPMed 0.29543; 1000 Genomes Project 30x 0.40350; 1000 Genomes Project 0.41014.
gnomAD v4.1: 45,436 of 152,048 alleles (30%); highest among the groups gnomAD compares: East Asian, 63%; 7,553 homozygotes.

Submission:

GeneDx
Classification: Benign. Last evaluated: 2018-06-19. Review status: criteria provided, single submitter. Criteria: GeneDx Variant Classification (06012015). Collection method: clinical testing. Allele origin: germline. Affected: yes.
Comment: This variant is considered likely benign or benign based on one or more of the following criteria: it is a conservative change, it occurs at a poorly conserved position in the protein, it is predicted to be benign by multiple in silico algorithms, and/or has population frequency not consistent with disease.

NM_015141.4(GPD1L):c.367-317A>G

Gene: GPD1L (glycerol-3-phosphate dehydrogenase 1 like; plus strand). Cytogenetic location: 3p22.3.
Variant type: single nucleotide variant.
Coding change: c.367-317A>G on transcript NM_015141.4 (MANE Select); 317 bases into the intron before coding-DNA position 367, A replaced by G.
Molecular consequence: intron variant.
Genome position (GRCh38, 1-based): chr3:32,139,911, A>G. VCF-style: chr3-32139911-A-G. GRCh37 (hg19) VCF-style: chr3-32181403-A-G.
Identifiers: ClinVar variation 683541 (VCV000683541.1), dbSNP rs12637969, ClinGen allele CA11567399.